The following is an entry in ClinVar:

ClinVar aggregate classification (germline): Uncertain significance. Review status: criteria provided, multiple submitters, no conflicts (2 of 4 stars). 2 submissions from 2 submitters: Uncertain significance (2). Last evaluated 2026-01-18.

Allele frequency attached by ClinVar (database versions not stated): 1000 Genomes Project 30x 0.00016; 1000 Genomes Project 0.00020; TOPMed 0.00020; ESP Exome Variant Server 0.00023; gnomAD 0.00025.
gnomAD v4.1: 601 of 1,614,074 alleles (0.037%); highest among the groups gnomAD compares: Non-Finnish European, 0.045%; 1 homozygote.

Submissions (2):

Labcorp Genetics (formerly Invitae), Labcorp
Classification: Uncertain significance. Last evaluated: 2026-01-18. Review status: criteria provided, single submitter. Criteria: Invitae Variant Classification Sherloc (09022015). Collection method: clinical testing. Allele origin: germline.
Comment: This sequence change replaces valine, which is neutral and non-polar, with isoleucine, which is neutral and non-polar, at codon 197 of the ASRGL1 protein (p.Val197Ile). This variant is present in population databases (rs201840661, gnomAD 0.04%). This variant has not been reported in the literature in individuals affected with ASRGL1-related conditions. ClinVar contains an entry for this variant (Variation ID: 851013). An algorithm developed to predict the effect of missense changes on protein structure and function (PolyPhen-2) suggests that this variant is likely to be disruptive. In summary, the available evidence is currently insufficient to determine the role of this variant in disease. Therefore, it has been classified as a Variant of Uncertain Significance.

Ambry Genetics
Classification: Uncertain significance. Last evaluated: 2025-08-21. Review status: criteria provided, single submitter. Criteria: Ambry Variant Classification Scheme 2023. Collection method: clinical testing. Allele origin: germline.

NM_001083926.2(ASRGL1):c.589G>A (p.Val197Ile)

Gene: ASRGL1 (asparaginase and isoaspartyl peptidase 1; plus strand). Cytogenetic location: 11q12.3.
Variant type: single nucleotide variant.
Coding change: c.589G>A on transcript NM_001083926.2 (MANE Select); coding-DNA position 589, G replaced by A.
Protein change: p.Val197Ile; replaces valine 197 with isoleucine.
Molecular consequence: missense variant.
Genome position (GRCh38, 1-based): chr11:62,389,230, G>A. VCF-style: chr11-62389230-G-A. GRCh37 (hg19) VCF-style: chr11-62156702-G-A.
Other names: c.589G>A, p.Val197Ile (NM_025080.4); short protein forms V197I.
Identifiers: ClinVar variation 851013 (VCV000851013.10), dbSNP rs201840661, ClinGen allele CA6043246.